The following is an entry in ClinVar:

NM_014236.4(GNPAT):c.179A>G (p.Tyr60Cys)

Gene: GNPAT (glyceronephosphate O-acyltransferase; plus strand). Cytogenetic location: 1q42.2.
Variant type: single nucleotide variant.
Coding change: c.179A>G on transcript NM_014236.4 (MANE Select); coding-DNA position 179, A replaced by G.
Protein change: p.Tyr60Cys; replaces tyrosine 60 with cysteine.
Molecular consequence: missense variant. On other transcripts: intron variant (1).
Genome position (GRCh38, 1-based): chr1:231,251,061, A>G. VCF-style: chr1-231251061-A-G. GRCh37 (hg19) VCF-style: chr1-231386807-A-G.
Other names: c.79-9446A>G (NM_001316350.2); c.179A>G (NM_014236.3); short protein forms Y60C.
Identifiers: ClinVar variation 1352778 (VCV001352778.4), dbSNP rs372084565, ClinGen allele CA1451742.

ClinVar aggregate classification (germline): Uncertain significance. Review status: criteria provided, multiple submitters, no conflicts (2 of 4 stars). 2 submissions from 2 submitters: Uncertain significance (2). Last evaluated 2025-08-07.

Conditions:
Inborn genetic diseases. Identifiers: MedGen C0950123, MeSH D030342.

Allele frequency attached by ClinVar (database versions not stated): ExAC 0.00001; gnomAD 0.00001; gnomAD exomes 0.00001; ESP Exome Variant Server 0.00008.
gnomAD v4.1: 12 of 1,593,074 alleles (0.00075%); highest among the groups gnomAD compares: Admixed American, 0.0033%; no homozygotes.

Submissions (2):

Ambry Genetics
Classification: Uncertain significance for Inborn genetic diseases. Last evaluated: 2025-08-07. Review status: criteria provided, single submitter. Criteria: Ambry Variant Classification Scheme 2023. Collection method: clinical testing. Allele origin: germline.

Labcorp Genetics (formerly Invitae), Labcorp
Classification: Uncertain significance. Last evaluated: 2021-11-14. Review status: criteria provided, single submitter. Criteria: Invitae Variant Classification Sherloc (09022015). Collection method: clinical testing. Allele origin: germline.
Comment: This sequence change replaces tyrosine, which is neutral and polar, with cysteine, which is neutral and slightly polar, at codon 60 of the GNPAT protein (p.Tyr60Cys). This variant is present in population databases (rs372084565, gnomAD 0.006%). This variant has not been reported in the literature in individuals affected with GNPAT-related conditions. Algorithms developed to predict the effect of missense changes on protein structure and function are either unavailable or do not agree on the potential impact of this missense change (SIFT: "Tolerated"; PolyPhen-2: "Probably Damaging"; Align-GVGD: "Class C0"). Algorithms developed to predict the effect of sequence changes on RNA splicing suggest that this variant may create or strengthen a splice site. In summary, the available evidence is currently insufficient to determine the role of this variant in disease. Therefore, it has been classified as a Variant of Uncertain Significance.